The following is an entry in ClinVar:

NM_006796.3(AFG3L2):c.29G>A (p.Gly10Asp)

Gene: AFG3L2 (AFG3 like matrix AAA peptidase subunit 2; minus strand). Cytogenetic location: 18p11.21.
Variant type: single nucleotide variant.
Coding change: c.29G>A on transcript NM_006796.3 (MANE Select); coding-DNA position 29, G replaced by A.
Protein change: p.Gly10Asp; replaces glycine 10 with aspartic acid.
Molecular consequence: missense variant.
Genome position (GRCh38, 1-based): chr18:12,377,054, C>T on the plus strand (G>A on the coding strand, the complement: AFG3L2 is on the minus strand). VCF-style: chr18-12377054-C-T. GRCh37 (hg19) VCF-style: chr18-12377053-C-T.
Other names: short protein forms G10D.
Identifiers: ClinVar variation 2791214 (VCV002791214.3), dbSNP rs1258399102, ClinGen allele CA401955612.

ClinVar aggregate classification (germline): Uncertain significance (1 of 4 stars; one submission).

Allele frequency attached by ClinVar (database versions not stated): gnomAD exomes below 0.00001; TOPMed below 0.00001.
gnomAD v4.1: 4 of 1,435,726 alleles (0.00028%); highest among the groups gnomAD compares: Non-Finnish European, 0.00036%; no homozygotes.

Submission:

Labcorp Genetics (formerly Invitae), Labcorp
Classification: Uncertain significance. Last evaluated: 2023-03-30. Review status: criteria provided, single submitter. Criteria: Invitae Variant Classification Sherloc (09022015). Collection method: clinical testing. Allele origin: germline.
Comment: This sequence change replaces glycine, which is neutral and non-polar, with aspartic acid, which is acidic and polar, at codon 10 of the AFG3L2 protein (p.Gly10Asp). This variant is not present in population databases (gnomAD no frequency). In summary, the available evidence is currently insufficient to determine the role of this variant in disease. Therefore, it has been classified as a Variant of Uncertain Significance. Advanced modeling of protein sequence and biophysical properties (such as structural, functional, and spatial information, amino acid conservation, physicochemical variation, residue mobility, and thermodynamic stability) performed at Invitae indicates that this missense variant is not expected to disrupt AFG3L2 protein function. This variant has not been reported in the literature in individuals affected with AFG3L2-related conditions.